The following is an entry in ClinVar:

ClinVar aggregate classification (germline): Uncertain significance (1 of 4 stars; one submission).

Conditions:
Cardiovascular phenotype. Identifiers: MedGen CN230736.

gnomAD v4.1: 7 of 1,613,962 alleles (0.00043%); highest among the groups gnomAD compares: Non-Finnish European, 0.00059%; no homozygotes.

Submission:

Ambry Genetics
Classification: Uncertain significance for Cardiovascular phenotype. Last evaluated: 2024-05-02. Review status: criteria provided, single submitter. Criteria: Ambry Variant Classification Scheme 2023. Collection method: clinical testing. Allele origin: germline.
Comment: The p.I57V variant (also known as c.169A>G), located in coding exon 2 of the ABCG5 gene, results from an A to G substitution at nucleotide position 169. The isoleucine at codon 57 is replaced by valine, an amino acid with highly similar properties. This amino acid position is conserved. In addition, this alteration is predicted to be tolerated by in silico analysis. Based on the available evidence, the clinical significance of this variant remains unclear.

NM_022436.3(ABCG5):c.169A>G (p.Ile57Val)

Gene: ABCG5 (ATP binding cassette subfamily G member 5; minus strand). Cytogenetic location: 2p21.
Variant type: single nucleotide variant.
Coding change: c.169A>G on transcript NM_022436.3 (MANE Select); coding-DNA position 169, A replaced by G.
Protein change: p.Ile57Val; replaces isoleucine 57 with valine.
Molecular consequence: missense variant.
Genome position (GRCh38, 1-based): chr2:43,837,930, T>C on the plus strand (A>G on the coding strand, the complement: ABCG5 is on the minus strand). VCF-style: chr2-43837930-T-C. GRCh37 (hg19) VCF-style: chr2-44065069-T-C.
Other names: short protein forms I57V.
Identifiers: ClinVar variation 3309196 (VCV003309196.1).